The following is an entry in ClinVar:

ClinVar aggregate classification (germline): Uncertain significance (1 of 4 stars; one submission).

Conditions:
Inborn genetic diseases. Identifiers: MedGen C0950123, MeSH D030342.

Submission:

Ambry Genetics
Classification: Uncertain significance for Inborn genetic diseases. Last evaluated: 2025-05-13. Review status: criteria provided, single submitter. Criteria: Ambry Variant Classification Scheme 2023. Collection method: clinical testing. Allele origin: germline.
Comment: The p.C393Y variant (also known as c.1178G>A), located in coding exon 7 of the WT1 gene, results from a G to A substitution at nucleotide position 1178. The cysteine at codon 393 is replaced by tyrosine, an amino acid with highly dissimilar properties. This variant was reported in individual(s) with features consistent with WT1-related disorder (Sadowski CE et al. J Am Soc Nephrol, 2015 Jun;26:1279-89; Nagano C et al. Sci Rep, 2020 Jan;10:270). This amino acid position is highly conserved in available vertebrate species. In addition, this alteration is predicted to be deleterious by in silico analysis. Based on the available evidence, the clinical significance of this variant remains unclear.

Literature cited by the submitters: PubMed 25349199; PubMed 31937884.

NM_024426.6(WT1):c.1193G>A (p.Cys398Tyr)

Gene: WT1 (WT1 transcription factor; minus strand). Cytogenetic location: 11p13.
Variant type: single nucleotide variant.
Coding change: c.1193G>A on transcript NM_024426.6 (MANE Select); coding-DNA position 1193, G replaced by A.
Protein change: p.Cys398Tyr; replaces cysteine 398 with tyrosine.
Molecular consequence: missense variant. On other transcripts: non-coding transcript variant (2).
Genome position (GRCh38, 1-based): chr11:32,396,328, C>T on the plus strand (G>A on the coding strand, the complement: WT1 is on the minus strand). VCF-style: chr11-32396328-C-T. GRCh37 (hg19) VCF-style: chr11-32417874-C-T.
Other names: c.1142G>A, p.Cys381Tyr (NM_000378.6, NM_001407045.1, NM_001407048.1 and 1 more transcripts); c.542G>A, p.Cys181Tyr (NM_001198551.2); c.491G>A, p.Cys164Tyr (NM_001198552.2); c.5G>A, p.Cys2Tyr (NM_001367854.1); c.1187G>A, p.Cys396Tyr (NM_001407044.1); c.1193G>A, p.Cys398Tyr (NM_001407046.1, NM_024424.5); c.1070G>A, p.Cys357Tyr (NM_001407047.1); c.1019G>A, p.Cys340Tyr (NM_001407050.1); and 3 more; short protein forms C2Y, C164Y, C181Y, C308Y, C340Y, C381Y, C325Y, C393Y.
Identifiers: ClinVar variation 3982447 (VCV003982447.1).
Genomic context (GRCh38, chr11:32,396,328, plus strand): 5'-CTGCTGTGCATCTGTAAGTGGGACAGCTTAAAATATCTCTTATTGCAGCCTGGGTAAGCA[C>T]ACATGAAGGGGCGTTTCTCACTGGTCTCAGATGCCGACCGTACAAGAGTCGGGGCTACTC-3'
Protein context (NP_077744.4, residues 388-408): SETSEKRPFM[Cys398Tyr]AYPGCNKRYF